The following is an entry in ClinVar:

NM_013280.5(FLRT1):c.445C>T (p.Arg149Cys)

Genes: FLRT1 (fibronectin leucine rich transmembrane protein 1; plus strand), MACROD1 (mono-ADP ribosylhydrolase 1; minus strand). Cytogenetic location: 11q13.1.
Variant type: single nucleotide variant.
Coding change: c.445C>T on transcript NM_013280.5 (MANE Select); coding-DNA position 445, C replaced by T.
Protein change: p.Arg149Cys; replaces arginine 149 with cysteine.
Molecular consequence: missense variant. On other transcripts: intron variant (2).
Genome position (GRCh38, 1-based): chr11:64,116,712, C>T. VCF-style: chr11-64116712-C-T. GRCh37 (hg19) VCF-style: chr11-63884184-C-T.
Other names: c.445C>T, p.Arg149Cys (NM_001384466.1); c.361C>T, p.Arg121Cys (NM_001423967.1); c.517+34527G>A (NM_001411019.1, NM_014067.4); short protein forms R149C, R121C.
Identifiers: ClinVar variation 948270 (VCV000948270.10), dbSNP rs774763930, ClinGen allele CA6067480.

ClinVar aggregate classification (germline): Uncertain significance. Review status: criteria provided, multiple submitters, no conflicts (2 of 4 stars). 2 submissions from 2 submitters: Uncertain significance (2). Last evaluated 2024-02-28.

Conditions:
Peripheral neuropathy. Also called: Neuropathy. Identifiers: MedGen C0031117, MONDO:0005244, HP:0009830.

Allele frequency attached by ClinVar (database versions not stated): gnomAD exomes below 0.00001; ExAC 0.00001; gnomAD 0.00001.
gnomAD v4.1: 28 of 1,613,610 alleles (0.0017%); highest among the groups gnomAD compares: Non-Finnish European, 0.0021%; no homozygotes.

Submissions (2):

Ambry Genetics
Classification: Uncertain significance. Last evaluated: 2024-02-28. Review status: criteria provided, single submitter. Criteria: Ambry Variant Classification Scheme 2023. Collection method: clinical testing. Allele origin: germline.

Labcorp Genetics (formerly Invitae), Labcorp
Classification: Uncertain significance for Peripheral neuropathy. Last evaluated: 2019-05-08. Review status: criteria provided, single submitter. Criteria: Invitae Variant Classification Sherloc (09022015). Collection method: clinical testing. Allele origin: germline.
Comment: In summary, the available evidence is currently insufficient to determine the role of this variant in disease. Therefore, it has been classified as a Variant of Uncertain Significance. Algorithms developed to predict the effect of missense changes on protein structure and function (SIFT, PolyPhen-2, Align-GVGD) all suggest that this variant is likely to be disruptive, but these predictions have not been confirmed by published functional studies and their clinical significance is uncertain. This variant has not been reported in the literature in individuals with FLRT1-related conditions. This variant is present in population databases (rs774763930, ExAC 0.002%). This sequence change replaces arginine with cysteine at codon 149 of the FLRT1 protein (p.Arg149Cys). The arginine residue is highly conserved and there is a large physicochemical difference between arginine and cysteine.